The following is an entry in ClinVar:

ClinVar aggregate classification (germline): Uncertain significance (1 of 4 stars; one submission).

Conditions:
Atrioventricular septal defect 5 (AVSD5). Identifiers: MedGen C3280939, MONDO:0013769, OMIM 614474.

Submission:

Labcorp Genetics (formerly Invitae), Labcorp
Classification: Uncertain significance for Atrioventricular septal defect 5. Last evaluated: 2021-08-04. Review status: criteria provided, single submitter. Criteria: Invitae Variant Classification Sherloc (09022015). Collection method: clinical testing. Allele origin: germline.
Comment: This sequence change replaces alanine with threonine at codon 161 of the GATA6 protein (p.Ala161Thr). The alanine residue is weakly conserved and there is a small physicochemical difference between alanine and threonine. This variant is not present in population databases (ExAC no frequency). This variant has not been reported in the literature in individuals affected with GATA6-related conditions. Algorithms developed to predict the effect of missense changes on protein structure and function are either unavailable or do not agree on the potential impact of this missense change (SIFT: "Deleterious"; PolyPhen-2: "Benign"; Align-GVGD: "Class C0"). In summary, the available evidence is currently insufficient to determine the role of this variant in disease. Therefore, it has been classified as a Variant of Uncertain Significance.

NM_005257.6(GATA6):c.481G>A (p.Ala161Thr)

Gene: GATA6 (GATA binding protein 6; plus strand). Cytogenetic location: 18q11.2.
Variant type: single nucleotide variant.
Coding change: c.481G>A on transcript NM_005257.6 (MANE Select); coding-DNA position 481, G replaced by A.
Protein change: p.Ala161Thr; replaces alanine 161 with threonine.
Molecular consequence: missense variant.
Genome position (GRCh38, 1-based): chr18:22,171,625, G>A. VCF-style: chr18-22171625-G-A. GRCh37 (hg19) VCF-style: chr18-19751586-G-A.
Other names: short protein forms A161T.
Identifiers: ClinVar variation 1408490 (VCV001408490.6), dbSNP rs559922666, ClinGen allele CA401799760.